The following is an entry in ClinVar:

ClinVar aggregate classification (germline): Uncertain significance. Review status: criteria provided, multiple submitters, no conflicts (2 of 4 stars). 2 submissions from 2 submitters: Uncertain significance (2). Last evaluated 2024-10-29.

Conditions:
Inborn genetic diseases. Identifiers: MedGen C0950123, MeSH D030342.
Hepatic veno-occlusive disease-immunodeficiency syndrome. Also called: Hepatic Veno-Occlusive Disease with Immunodeficiency. Identifiers: Orphanet 79124, MedGen C1856128, MONDO:0009338, OMIM 235550. Disease mechanism: loss of function.

Allele frequency attached by ClinVar (database versions not stated): gnomAD exomes below 0.00001; ExAC 0.00001; gnomAD 0.00001; TOPMed 0.00001; ESP Exome Variant Server 0.00008.
gnomAD v4.1: 10 of 1,613,862 alleles (0.00062%); highest among the groups gnomAD compares: Non-Finnish European, 0.00076%; no homozygotes.

Submissions (2):

Ambry Genetics
Classification: Uncertain significance for Inborn genetic diseases. Last evaluated: 2024-10-29. Review status: criteria provided, single submitter. Criteria: Ambry Variant Classification Scheme 2023. Collection method: clinical testing. Allele origin: germline.

Labcorp Genetics (formerly Invitae), Labcorp
Classification: Uncertain significance for Hepatic veno-occlusive disease-immunodeficiency syndrome. Last evaluated: 2022-07-06. Review status: criteria provided, single submitter. Criteria: Invitae Variant Classification Sherloc (09022015). Collection method: clinical testing. Allele origin: germline.
Comment: This variant has not been reported in the literature in individuals affected with SP110-related conditions. In summary, the available evidence is currently insufficient to determine the role of this variant in disease. Therefore, it has been classified as a Variant of Uncertain Significance. Algorithms developed to predict the effect of sequence changes on RNA splicing suggest that this variant may disrupt the consensus splice site. Algorithms developed to predict the effect of missense changes on protein structure and function are either unavailable or do not agree on the potential impact of this missense change (SIFT: "Deleterious"; PolyPhen-2: "Benign"; Align-GVGD: "Class C0"). This variant is present in population databases (rs201376755, gnomAD 0.002%). This sequence change replaces arginine, which is basic and polar, with tryptophan, which is neutral and slightly polar, at codon 490 of the SP110 protein (p.Arg490Trp).

NM_080424.4(SP110):c.1468C>T (p.Arg490Trp)

Gene: SP110 (SP110 nuclear body protein; minus strand). Cytogenetic location: 2q37.1.
Variant type: single nucleotide variant.
Coding change: c.1468C>T on transcript NM_080424.4 (MANE Select); coding-DNA position 1468, C replaced by T.
Protein change: p.Arg490Trp; replaces arginine 490 with tryptophan.
Molecular consequence: missense variant.
Genome position (GRCh38, 1-based): chr2:230,177,660, G>A on the plus strand (C>T on the coding strand, the complement: SP110 is on the minus strand). VCF-style: chr2-230177660-G-A. GRCh37 (hg19) VCF-style: chr2-231042376-G-A.
Other names: c.1486C>T, p.Arg496Trp (NM_001185015.2, NM_001378442.1, NM_001378444.1 and 2 more transcripts); c.1468C>T, p.Arg490Trp (NM_001378443.1, NM_004509.5, NM_004510.4); c.1318C>T, p.Arg440Trp (NM_001378447.1); c.1468C>T (NM_004509.3); short protein forms R440W, R490W, R496W.
Identifiers: ClinVar variation 1973708 (VCV001973708.5), dbSNP rs201376755, ClinGen allele CA2154483.